The following is an entry in ClinVar:

NM_015665.6(AAAS):c.463C>T (p.Arg155Cys)

Gene: AAAS (aladin WD repeat nucleoporin; minus strand). Cytogenetic location: 12q13.13.
Variant type: single nucleotide variant.
Coding change: c.463C>T on transcript NM_015665.6 (MANE Select); coding-DNA position 463, C replaced by T.
Protein change: p.Arg155Cys; replaces arginine 155 with cysteine.
Molecular consequence: missense variant. On other transcripts: intron variant (1).
Genome position (GRCh38, 1-based): chr12:53,314,833, G>A on the plus strand (C>T on the coding strand, the complement: AAAS is on the minus strand). VCF-style: chr12-53314833-G-A. GRCh37 (hg19) VCF-style: chr12-53708617-G-A.
Other names: c.446+261C>T (NM_001173466.2); short protein forms R155C.
Identifiers: ClinVar variation 813665 (VCV000813665.23), dbSNP rs777711720, ClinGen allele CA6599182.

ClinVar aggregate classification (germline): Likely pathogenic. Review status: criteria provided, multiple submitters, no conflicts (2 of 4 stars). 3 submissions from 3 submitters: Likely pathogenic (2). 1 of the submissions does not count toward it. Last evaluated 2026-07-28.

Conditions:
Glucocorticoid deficiency with achalasia (AAAS). Also called: Addisonian achalasia syndrome; Achalasia-addisonianism-alacrimia syndrome; Alacrima-achalasia-addisonianism; ACTH-resistant adrenal insufficiency, achalasia and alacrima; Glucocorticoid deficiency and achalasia; Hypoadrenalism with achalasia. Identifiers: Orphanet 869, MedGen C0271742, MONDO:0009279, OMIM 231550.
Abnormality of the nervous system. Also called: Congenital nervous system disorder. Identifiers: MedGen C0497552, MONDO:0002320, HP:0000707.
Microcephaly. Also called: Microcephaly (disease). Identifiers: MedGen C4551563, MONDO:0001149, HP:0000252.

Allele frequency attached by ClinVar (database versions not stated): gnomAD exomes 0.00001; ExAC 0.00002.
gnomAD v4.1: 13 of 1,613,730 alleles (0.00081%); highest among the groups gnomAD compares: East Asian, 0.018%; no homozygotes.

Submissions (3):

Genetics Research Center, University of Social Welfare and Rehabilitation Sciences
Classification: Likely pathogenic for Glucocorticoid deficiency with achalasia. Last evaluated: 2026-07-28. Review status: criteria provided, single submitter. Criteria: ACMG Guidelines, 2015. Collection method: clinical testing. Allele origin: germline. Inheritance: Autosomal recessive inheritance. Affected: yes. Observed: 1 variant allele, 1 homozygote.
Comment: The variant causes a missense change involving the alteration of a non-conserved nucleotide. The variant allele is very rare with a cumulative frequency of 0.0000089 in the gnomAD database with no homozygous occurance. Most In-silico prediction tools suggest that this variant is damaging (REVEL = 0.77). A different missense at the same amino acid position has been reported as Pathogenic/Likely Pathogenic in ClinVar: p.Arg155Pro. The variant fully segregated with the disease within the family. Overall, the variant meets PM2, PM5, PP1, PP3, and PP5 ACMG criteria.

Kariminejad - Najmabadi Pathology & Genetics Center
Classification: Likely pathogenic for Abnormality of the nervous system. Last evaluated: 2021-07-10. Review status: criteria provided, single submitter. Criteria: ACMG Guidelines, 2015. Collection method: clinical testing. Allele origin: germline. Affected: yes.

Department of Pediatrics, Samsung Medical Center, Samsung Medical Center
Classification: Uncertain significance for Microcephaly. Review status: no assertion criteria provided. Criteria: ACMG Guidelines, 2015. Collection method: research. Allele origin: germline. Affected: yes. Not counted in ClinVar's aggregate classification.